The following is an entry in ClinVar:

NM_000071.3(CBS):c.452-12G>T

Gene: CBS (cystathionine beta-synthase; minus strand). Cytogenetic location: 21q22.3.
Variant type: single nucleotide variant.
Coding change: c.452-12G>T on transcript NM_000071.3 (MANE Select); 12 bases into the intron before coding-DNA position 452, G replaced by T.
Molecular consequence: intron variant.
Genome position (GRCh38, 1-based): chr21:43,065,707, C>A on the plus strand (G>T on the coding strand, the complement: CBS is on the minus strand). VCF-style: chr21-43065707-C-A. GRCh37 (hg19) VCF-style: chr21-44485817-C-A.
Other names: c.452-12G>T (NM_001320298.2, NM_001178009.3, NM_001178008.3); c.137-12G>T (NM_001321072.1).
Identifiers: ClinVar variation 507168 (VCV000507168.8), dbSNP rs780064320, ClinGen allele CA321096761.

ClinVar aggregate classification (germline): Likely benign. Review status: criteria provided, multiple submitters, no conflicts (2 of 4 stars). 2 submissions from 2 submitters: Likely benign (2). Last evaluated 2026-01-20.

Conditions:
HYPERHOMOCYSTEINEMIA, THROMBOTIC, CBS-RELATED. Identifiers: MedGen C3150344, OMIM 236200.

Allele frequency attached by ClinVar (database versions not stated): ExAC 0.00005; gnomAD exomes 0.00005; gnomAD 0.00006.

Submissions (2):

Labcorp Genetics (formerly Invitae), Labcorp
Classification: Likely benign for HYPERHOMOCYSTEINEMIA, THROMBOTIC, CBS-RELATED. Last evaluated: 2026-01-20. Review status: criteria provided, single submitter. Criteria: Invitae Variant Classification Sherloc (09022015). Collection method: clinical testing. Allele origin: germline.

GeneDx
Classification: Likely benign. Last evaluated: 2017-02-01. Review status: criteria provided, single submitter. Criteria: GeneDx Variant Classification (06012015). Collection method: clinical testing. Allele origin: germline. Affected: yes.
Comment: This variant is considered likely benign or benign based on one or more of the following criteria: it is a conservative change, it occurs at a poorly conserved position in the protein, it is predicted to be benign by multiple in silico algorithms, and/or has population frequency not consistent with disease.